The following is an entry in ClinVar:

ClinVar aggregate classification (germline): Likely benign. Review status: criteria provided, multiple submitters, no conflicts (2 of 4 stars). 2 submissions from 2 submitters: Likely benign (2). Last evaluated 2025-05-18.

Conditions:
MYO7A-related disorder. Also called: MYO7A-related disorders.

Allele frequency attached by ClinVar (database versions not stated): gnomAD exomes 0.00002; ExAC 0.00003; gnomAD 0.00009; TOPMed 0.00009; 1000 Genomes Project 30x 0.00016; 1000 Genomes Project 0.00020.
gnomAD v4.1: 46 of 1,613,502 alleles (0.0029%); highest among the groups gnomAD compares: African/African-American, 0.023%; no homozygotes.

Submissions (2):

Labcorp Genetics (formerly Invitae), Labcorp
Classification: Likely benign. Last evaluated: 2025-05-18. Review status: criteria provided, single submitter. Criteria: Invitae Variant Classification Sherloc (09022015). Collection method: clinical testing. Allele origin: germline.

PreventionGenetics, part of Exact Sciences
Classification: Likely benign for MYO7A-related condition. Last evaluated: 2025-01-04. Review status: criteria provided, single submitter. Criteria: ACMG Guidelines, 2015. Collection method: clinical testing. Allele origin: germline.
Comment: This variant is classified as likely benign based on ACMG/AMP sequence variant interpretation guidelines (Richards et al. 2015 PMID: 25741868, with internal and published modifications).

NM_000260.4(MYO7A):c.3012C>T (p.Phe1004=)

Gene: MYO7A (myosin VIIA; plus strand). Cytogenetic location: 11q13.5.
Variant type: single nucleotide variant.
Coding change: c.3012C>T on transcript NM_000260.4 (MANE Select); coding-DNA position 3012, C replaced by T.
Protein change: p.Phe1004=; no amino-acid change (phenylalanine 1004 retained).
Molecular consequence: synonymous variant.
Genome position (GRCh38, 1-based): chr11:77,182,058, C>T. VCF-style: chr11-77182058-C-T. GRCh37 (hg19) VCF-style: chr11-76893104-C-T.
Other names: c.3012C>T, p.Phe1004= (NM_001127180.2); c.2979C>T, p.Phe993= (NM_001369365.1).
Identifiers: ClinVar variation 752721 (VCV000752721.10), dbSNP rs544100095, ClinGen allele CA224841731.
Genomic context (GRCh38, chr11:77,182,058, plus strand): 5'-AGCCCTGCCCCTGCCTGACGAGGATGAGGAGGACCTCTCTGAGTATAAATTTGCCAAGTT[C>T]GCGGCCACCTACTTCCAGGGGACAACCACGCACTCCTACACCCGGCGGCCACTCAAACAG-3'
Protein context (NP_000251.3, residues 994-1014): EDLSEYKFAK[Phe1004=]AATYFQGTTT